The following is an entry in ClinVar:

ClinVar aggregate classification (germline): Likely pathogenic (1 of 4 stars; one submission).

Conditions:
Dilated cardiomyopathy 1G (CMD1G). Identifiers: Orphanet 154, MedGen C1858763, MONDO:0011400, OMIM 604145.
Autosomal recessive limb-girdle muscular dystrophy type 2J (LGMDR10). Also called: Limb-girdle muscular dystrophy, type 2J; MUSCULAR DYSTROPHY, LIMB-GIRDLE, AUTOSOMAL RECESSIVE 10. Identifiers: Orphanet 140922, MedGen C1837342, MONDO:0012127, OMIM 608807.

Allele frequency attached by ClinVar (database versions not stated): gnomAD exomes below 0.00001.

Submission:

Labcorp Genetics (formerly Invitae), Labcorp
Classification: Likely pathogenic for Dilated cardiomyopathy 1G; Autosomal recessive limb-girdle muscular dystrophy type 2J. Last evaluated: 2025-09-09. Review status: criteria provided, single submitter. Criteria: Invitae Variant Classification Sherloc (09022015). Collection method: clinical testing. Allele origin: germline.
Comment: This variant results in the deletion of c.53564_53581+6del of the TTN gene. It is expected to disrupt RNA splicing and likely results in a truncated or disrupted TTN protein. This variant is not present in population databases (gnomAD no frequency). This variant has not been reported in the literature in individuals affected with TTN-related conditions. ClinVar contains an entry for this variant (Variation ID: 2062259). This variant is located in the A band of TTN (PMID: 25589632). Truncating variants in this region are significantly overrepresented in patients affected with dilated cardiomyopathy (PMID: 25589632). Truncating variants in this region have also been reported in individuals affected with autosomal recessive centronuclear myopathy (PMID: 23975875). In summary, the currently available evidence indicates that the variant is pathogenic, but additional data are needed to prove that conclusively. Therefore, this variant has been classified as Likely Pathogenic.

Literature cited by the submitters: PubMed 25589632; PubMed 23975875.

NM_001267550.2(TTN):c.53564_53581+6del

Genes: TTN-AS1 (TTN antisense RNA 1; plus strand), TTN (titin; minus strand). Cytogenetic location: 2q31.2.
Variant type: Deletion.
Coding change: c.53564_53581+6del on transcript NM_001267550.2 (MANE Select); coding-DNA position 53564 through 6 bases into the intron after coding-DNA position 53581, 24 bases deleted (TTGCAGTTGATCCACTAGGTAAAA).
Molecular consequence: splice donor variant.
Genome position (GRCh38, 1-based): chr2:178,607,015-178,607,038, TTTTACCTAGTGGATCAACTGCAA deleted on the plus strand (TTGCAGTTGATCCACTAGGTAAAA on the coding strand, the reverse complement: TTN is on the minus strand). VCF-style (leftmost placement, unchanged base first): chr2-178607014-CTTTTACCTAGTGGATCAACTGCAA-C. GRCh37 (hg19) VCF-style: chr2-179471741-CTTTTACCTAGTGGATCAACTGCAA-C.
Other names: c.26369_26386+6del (NM_003319.4); c.26945_26962+6del (NM_133437.4); c.26744_26761+6del (NM_133432.3); c.45860_45877+6del (NM_133378.4); c.48641_48658+6del (NM_001256850.1).
Identifiers: ClinVar variation 2062259 (VCV002062259.4), dbSNP rs2470270420, ClinGen allele CA2580064922.
Genomic context (GRCh38, chr2:178,607,014, plus strand): 5'-GCTCAGTAAATAATATAACTAGAAGCAAAACATTACTCTATAAACACAATGAAACCTTCT[CTTTTACCTAGTGGATCAACTGCAA>C]GAATTGGTCCTATTTCAACAGGAGGGCCACAGCCAAACTTGTTCTTGGCAATAACACGGA-3'